The following is an entry in ClinVar:

NM_001127208.3(TET2):c.3047G>T (p.Cys1016Phe)

Genes: TET2 (tet methylcytosine dioxygenase 2; plus strand), TET2-AS1 (TET2 antisense RNA 1; minus strand). Cytogenetic location: 4q24.
Variant type: single nucleotide variant.
Coding change: c.3047G>T on transcript NM_001127208.3 (MANE Select); coding-DNA position 3047, G replaced by T.
Protein change: p.Cys1016Phe; replaces cysteine 1016 with phenylalanine.
Molecular consequence: missense variant.
Genome position (GRCh38, 1-based): chr4:105,236,989, G>T. VCF-style: chr4-105236989-G-T. GRCh37 (hg19) VCF-style: chr4-106158146-G-T.
Other names: c.3047G>T, p.Cys1016Phe (NM_017628.4); short protein forms C1016F.
Identifiers: ClinVar variation 5030789 (VCV005030789.1).

ClinVar aggregate classification (germline): Uncertain significance (1 of 4 stars; one submission).

Submission:

Ambry Genetics
Classification: Uncertain significance. Last evaluated: 2026-09-13. Review status: criteria provided, single submitter. Criteria: Ambry Variant Classification Scheme 2023. Collection method: clinical testing. Allele origin: germline.
Comment: The p.C1016F variant (also known as c.3047G>T), located in coding exon 1 of the TET2 gene, results from a G to T substitution at nucleotide position 3047. The cysteine at codon 1016 is replaced by phenylalanine, an amino acid with highly dissimilar properties. This amino acid position is conserved. In addition, this alteration is predicted to be tolerated by in silico analysis. Based on the available evidence, the clinical significance of this variant remains unclear.